The following is an entry in ClinVar:

NM_001348768.2(HECW2):c.207G>A (p.Thr69=)

Gene: HECW2 (HECT, C2 and WW domain containing E3 ubiquitin protein ligase 2; minus strand). Cytogenetic location: 2q32.3.
Variant type: single nucleotide variant.
Coding change: c.207G>A on transcript NM_001348768.2 (MANE Select); coding-DNA position 207, G replaced by A.
Protein change: p.Thr69=; no amino-acid change (threonine 69 retained).
Molecular consequence: synonymous variant.
Genome position (GRCh38, 1-based): chr2:196,433,217, C>T on the plus strand (G>A on the coding strand, the complement: HECW2 is on the minus strand). VCF-style: chr2-196433217-C-T. GRCh37 (hg19) VCF-style: chr2-197297941-C-T.
Other names: c.207G>A, p.Thr69= (NM_020760.4).
Identifiers: ClinVar variation 774412 (VCV000774412.28), dbSNP rs80093741, ClinGen allele CA2038630.

ClinVar aggregate classification (germline): Benign/Likely benign. Review status: criteria provided, multiple submitters, no conflicts (2 of 4 stars). 4 submissions from 4 submitters: Benign (2); Likely benign (1). 1 of the submissions does not count toward it. Last evaluated 2026-07-01.

Conditions:
HECW2-related disorder. Also called: HECW2-related condition.

Allele frequency attached by ClinVar (database versions not stated): 1000 Genomes Project 30x 0.00219; 1000 Genomes Project 0.00240; gnomAD 0.00366; TOPMed 0.00434; ESP Exome Variant Server 0.00523; gnomAD exomes 0.00557.
gnomAD v4.1: 8,729 of 1,614,140 alleles (0.54%); highest among the groups gnomAD compares: South Asian, 0.81%; 37 homozygotes.

Submissions (4):

CeGaT Center for Human Genetics Tuebingen
Classification: Likely benign. Last evaluated: 2026-07-01. Review status: criteria provided, single submitter. Criteria: CeGaT Center For Human Genetics Tuebingen Variant Classification Criteria Version 2. Collection method: clinical testing. Allele origin: germline. Affected: yes. Observed: 25 variant alleles.
Comment: HECW2: BP4, BP7, BS2

Labcorp Genetics (formerly Invitae), Labcorp
Classification: Benign. Last evaluated: 2019-01-02. Review status: criteria provided, single submitter. Criteria: Invitae Variant Classification Sherloc (09022015). Collection method: clinical testing. Allele origin: germline.

Breakthrough Genomics
Classification: Benign. Review status: criteria provided, single submitter. Criteria: ACMG Guidelines, 2015. Collection method: not provided. Allele origin: germline. Inheritance: Autosomal dominant inheritance. Affected: yes.

PreventionGenetics, part of Exact Sciences
Classification: Benign for HECW2-related condition. Last evaluated: 2019-05-29. Review status: no assertion criteria provided. Collection method: clinical testing. Allele origin: germline. Not counted in ClinVar's aggregate classification.
Comment: This variant is classified as benign based on ACMG/AMP sequence variant interpretation guidelines (Richards et al. 2015 PMID: 25741868, with internal and published modifications).